The following is an entry in ClinVar:

NM_001048174.2(MUTYH):c.364A>C (p.Thr122Pro)

Gene: MUTYH (mutY DNA glycosylase; minus strand). Cytogenetic location: 1p34.1.
Variant type: single nucleotide variant.
Coding change: c.364A>C on transcript NM_001048174.2 (MANE Select); coding-DNA position 364, A replaced by C.
Protein change: p.Thr122Pro; replaces threonine 122 with proline.
Molecular consequence: missense variant. On other transcripts: non-coding transcript variant (6), intron variant (3).
Genome position (GRCh38, 1-based): chr1:45,333,111, T>G on the plus strand (A>C on the coding strand, the complement: MUTYH is on the minus strand). VCF-style: chr1-45333111-T-G. GRCh37 (hg19) VCF-style: chr1-45798783-T-G.
Other names: c.364A>C, p.Thr122Pro (NM_001407080.1, NM_001407081.1, NM_001407088.1 and 6 more transcripts); c.406A>C, p.Thr136Pro (NM_001407083.1, NM_001407085.1, NM_001407073.1); c.367A>C, p.Thr123Pro (NM_001407086.1, NM_001407071.1, NM_001407078.1 and 2 more transcripts); c.385A>C, p.Thr129Pro (NM_001407087.1); c.88A>C, p.Thr30Pro (NM_001407091.1, NM_001293196.2, NM_001293192.2); c.439A>C, p.Thr147Pro (NM_012222.3, NM_001407069.1); c.34-152A>C (NM_001350651.2, NM_001350650.2, NM_001407082.1); c.280A>C, p.Thr94Pro (NM_001407075.1); and 3 more; short protein forms T129P, T94P, T30P, T123P, T136P, T137P, T147P, T122P.
Identifiers: ClinVar variation 4113666 (VCV004113666.1).
Genomic context (GRCh38, chr1:45,333,111, plus strand): 5'-ATCTGGGGTCTGACCCATGACCCTTCCCTTCCTCCCCTGGAGTCACCTGCATCCATCCGG[T>G]ATAGTAGTTGATCACAGTGGCAACCTGGGTCTGCTGCAGCATGACCTCTGAGACCCACAC-3'
Protein context (NP_001041639.1, residues 112-132): TQVATVINYY[Thr122Pro]GWMQKWPTLQ

ClinVar aggregate classification (germline): Uncertain significance (1 of 4 stars; one submission).

Conditions:
Hereditary cancer-predisposing syndrome. Also called: Hereditary neoplastic syndrome; Neoplastic Syndromes, Hereditary; Tumor predisposition; Hereditary Cancer Syndrome. Identifiers: Orphanet 140162, MedGen C0027672, MeSH D009386, MONDO:0015356.

Submission:

Ambry Genetics
Classification: Uncertain significance for Hereditary cancer-predisposing syndrome. Last evaluated: 2025-08-27. Review status: criteria provided, single submitter. Criteria: Ambry Variant Classification Scheme 2023. Collection method: clinical testing. Allele origin: germline.
Comment: The p.T150P variant (also known as c.448A>C), located in coding exon 5 of the MUTYH gene, results from an A to C substitution at nucleotide position 448. The threonine at codon 150 is replaced by proline, an amino acid with highly similar properties. This amino acid position is conserved. In addition, the in silico prediction for this alteration is inconclusive. Based on the available evidence, the clinical significance of this variant remains unclear.